The following is an entry in ClinVar:

NM_000098.3(CPT2):c.149_150del (p.Pro50fs)

Genes: CPT2 (carnitine palmitoyltransferase 2; plus strand), LOC129930561 (ATAC-STARR-seq lymphoblastoid silent region 902; plus strand). Cytogenetic location: 1p32.3.
Variant type: Deletion.
Coding change: c.149_150del on transcript NM_000098.3 (MANE Select); coding-DNA positions 149 to 150, 2 bases deleted (CC; older notation c.149_150delCC).
Protein change: p.Pro50fs; shifts the reading frame from proline 50.
Molecular consequence: frameshift variant.
Genome position (GRCh38, 1-based): chr1:53,197,092-53,197,093, CC deleted; deleting any 2 consecutive bases within chr1:53,197,091-53,197,093 gives the same sequence; the c. name uses the placement nearest the transcript's 3' end. VCF-style (leftmost placement, unchanged base first): chr1-53197090-GCC-G. GRCh37 (hg19) VCF-style: chr1-53662762-GCC-G.
Other names: c.149_150del, p.Pro50fs (NM_001330589.2); short protein forms P50fs.
Identifiers: ClinVar variation 1726778 (VCV001726778.3), dbSNP rs2525558530, ClinGen allele CA2580063046.

ClinVar aggregate classification (germline): Likely pathogenic (1 of 4 stars; one submission).

Conditions:
Carnitine palmitoyltransferase II deficiency. Also called: Carnitine Palmitoyltransferase 2 Deficiency. Identifiers: Orphanet 157, MedGen C0342790, MONDO:0015515.

Submission:

Myriad Genetics, Inc.
Classification: Likely pathogenic for Carnitine palmitoyltransferase II deficiency. Last evaluated: 2022-01-02. Review status: criteria provided, single submitter. Criteria: Myriad Autosomal Dominant, Autosomal Recessive and X-Linked Classification Criteria (2023). Collection method: clinical testing. Allele origin: unknown.
Comment: NM_000098.2(CPT2):c.149_150delCC(P50Qfs*8) is expected to be pathogenic in the context of carnitine palmitoyltransferase II deficiency. This variant is predicted to lead to an abnormal or absent protein product due to the creation of a premature termination codon in CPT2, a gene where loss-of-function variants are known to be pathogenic. Please note: this variant was assessed in the context of healthy population screening.